The following is an entry in ClinVar:

ClinVar aggregate classification (germline): Likely pathogenic (1 of 4 stars; one submission).

Conditions:
Angelman syndrome (AS). Also called: HAPPY PUPPET SYNDROME. Identifiers: Orphanet 72, MedGen C0162635, MONDO:0007113, OMIM 105830. Disease mechanism: loss of function. Inheritance: AS is caused by disruption of maternally imprinted UBE3A located within the 15q11.2-q13 Angelman syndrome/Prader-Willi syndrome (AS/PWS) region., imprinting disorder.

Submission:

Institute of Human Genetics, University of Leipzig Medical Center
Classification: Likely pathogenic for Angelman syndrome. Last evaluated: 2025-03-04. Review status: criteria provided, single submitter. Criteria: ACMG Guidelines, 2015. Collection method: clinical testing. Allele origin: de novo. Inheritance: Autosomal dominant inheritance. Affected: yes.
Comment: Criteria applied: PS2_MOD,PM1,PM2,PP2,PP3

NM_130839.5(UBE3A):c.1700T>A (p.Val567Asp)

Genes: SNHG14 (small nucleolar RNA host gene 14; plus strand), UBE3A (ubiquitin protein ligase E3A; minus strand). Cytogenetic location: 15q11.2.
Variant type: single nucleotide variant.
Coding change: c.1700T>A on transcript NM_130839.5 (MANE Select); coding-DNA position 1700, T replaced by A.
Protein change: p.Val567Asp; replaces valine 567 with aspartic acid.
Molecular consequence: missense variant. On other transcripts: non-coding transcript variant (1).
Genome position (GRCh38, 1-based): chr15:25,360,436, A>T on the plus strand (T>A on the coding strand, the complement: UBE3A is on the minus strand). VCF-style: chr15-25360436-A-T. GRCh37 (hg19) VCF-style: chr15-25605583-A-T.
Other names: c.1709T>A, p.Val570Asp (NM_000462.5); c.1700T>A, p.Val567Asp (NM_001354505.1, NM_001354538.2, NM_001354545.2); c.1640T>A, p.Val547Asp (NM_001354506.2, NM_001354507.2, NM_001354508.2 and 17 more transcripts); c.389T>A, p.Val130Asp (NM_001354551.2); c.1523T>A, p.Val508Asp (NM_001354546.2); c.449T>A, p.Val150Asp (NM_001354550.2); short protein forms V130D, V150D, V508D, V547D, V567D, V570D.
Identifiers: ClinVar variation 3773708 (VCV003773708.2).